The following is an entry in ClinVar:

NC_012920.1(MT-ATP6):m.9055G>A

Gene: MT-ATP6 (mitochondrially encoded ATP synthase 6; plus strand).
Variant type: single nucleotide variant.
Genome position: chrM-9055-G-A.
Identifiers: ClinVar variation 693067 (VCV000693067.3), dbSNP rs193303045, ClinGen allele CA337098169.

ClinVar aggregate classification (germline): Benign. Review status: reviewed by expert panel (3 of 4 stars). 3 submissions from 3 submitters: Benign (1). 2 of the submissions do not count toward it. Last evaluated 2021-10-26.

Conditions:
Leigh syndrome (NULS). Also called: Leigh's syndrome; Leigh Disease; Subacute necrotizing encephalopathy; Necrotizing encephalopathy infantile subacute of Leigh; LEIGH SYNDROME, NUCLEAR; Leigh's necrotizing encephalopathy. Identifiers: Orphanet 506, MedGen C2931891, MONDO:0009723, OMIM 256000.
Mitochondrial disease. Also called: Mitochondrial disorder; Mitochondrial disorders. Identifiers: Orphanet 68380, MedGen C0751651, MeSH D028361, MONDO:0044970.

Submissions (3):

ClinGen Mitochondrial Disease Nuclear and Mitochondrial  Variant Curation Expert Panel, ClinGen
Classification: Benign for Mitochondrial disease. Last evaluated: 2021-10-26. Review status: reviewed by expert panel. Criteria: clingen mito disease acmg specifications v1-1. Collection method: curation. Allele origin: germline. Inheritance: Mitochondrial inheritance.
Comment: The m.9055G>A (p.A177T) variant in MT-ATP6 is a missense variant that reaches benign stand-alone criteria (BA1). The highest population minor allele frequency in GenBank (51,863 GenBank sequences) is 4.24%; in gnomad v3.1.2 is 5.393% (homoplasmic occurrences); and in Helix (196,554 sequences, 91% lineage N bias) is 8.05%. These are all higher than the ClinGen Mitochondrial Disease Nuclear and Mitochondrial Variant Curation Expert Panel - mtDNA specifications - threshold (>0.01 or 1%). Furthermore, m.9055G>A is a haplogroup-defining variant for K at 99.7%. It is also found in Z3b (100%) and U8b (100%). Therefore, this meets this criterion (BA1). As a note, the K haplogroup is common in the Ashkenazi Jewish population. m.9055 G>A is a haplogroup-defining variant for K at 99.7%. Subgroup frequencies are K1 (99.3%) and K2 (99.7%). Additionally, the computational predictor APOGEE gives a consensus rating of neutral with an extremely low pathogenicity predictor score, 0.2 (Min=0, Max=1), evidence that does not predict a damaging effect on gene function (BP4). In summary, this variant meets criteria to be classified as benign for primary mitochondrial disease inherited in a mitochondrial manner. However, if this variant is identified in an individual who is a member of a different haplogroup than described above, consider further evaluation of this variant. This classification was approved by the NICHD U24 Mitochondrial Disease Variant Curation Expert Panel on May 20, 2021. Mitochondrial DNA-specific ACMG/AMP criteria applied: BA1, BP4.

Laboratory of Genetics, Children's Clinical University Hospital Latvia
Classification: Benign. Last evaluated: 2025-02-16. Review status: criteria provided, single submitter. Criteria: ACMG Guidelines, 2015. Collection method: clinical testing. Allele origin: germline. Affected: yes. Not counted in ClinVar's aggregate classification.

Wong Mito Lab, Molecular and Human Genetics, Baylor College of Medicine
Classification: Benign for Leigh syndrome. Last evaluated: 2019-10-17. Review status: criteria provided, single submitter. Criteria: Modified ACMG Guidelines (Unpublished). Collection method: clinical testing. Allele origin: germline. Not counted in ClinVar's aggregate classification.
Comment: The NC_012920.1:m.9055G>A (YP_003024031.1:p.Ala177Thr) variant in MTATP6 gene is interpretated to be a Benign variant based on the modified ACMG guidelines (unpublished). This variant meets the following evidence codes: BA1

Literature cited by the submitters: PubMed 25489354 (cited by ClinGen Mitochondrial Disease Nuclear and Mitochondrial  Variant Curation Expert Panel, ClinGen); PubMed 32461654 (cited by ClinGen Mitochondrial Disease Nuclear and Mitochondrial  Variant Curation Expert Panel, ClinGen); PubMed 24104924 (cited by ClinGen Mitochondrial Disease Nuclear and Mitochondrial  Variant Curation Expert Panel, ClinGen).